The following is an entry in ClinVar:

ClinVar aggregate classification (germline): Uncertain significance (1 of 4 stars; one submission).

Conditions:
Predisposition to invasive fungal disease due to CARD9 deficiency (IMD103). Also called: IMMUNODEFICIENCY 103, SUSCEPTIBILITY TO FUNGAL INFECTIONS; Candidiasis, familial, 2, autosomal recessive; CARD9 IMMUNODEFICIENCY. Identifiers: Orphanet 457088, MedGen C1859353, MONDO:0008905, OMIM 212050.

Allele frequency attached by ClinVar (database versions not stated): gnomAD 0.00001; gnomAD exomes 0.00001 and 0.00002; TOPMed 0.00001.
gnomAD v4.1: 22 of 1,603,680 alleles (0.0014%); highest among the groups gnomAD compares: Admixed American, 0.0084%; no homozygotes.

Submission:

Labcorp Genetics (formerly Invitae), Labcorp
Classification: Uncertain significance for Predisposition to invasive fungal disease due to CARD9 deficiency. Last evaluated: 2024-02-08. Review status: criteria provided, single submitter. Criteria: Invitae Variant Classification Sherloc (09022015). Collection method: clinical testing. Allele origin: germline.
Comment: This sequence change replaces arginine, which is basic and polar, with cysteine, which is neutral and slightly polar, at codon 315 of the CARD9 protein (p.Arg315Cys). The frequency data for this variant in the population databases is considered unreliable, as metrics indicate poor data quality at this position in the gnomAD database. This missense change has been observed in individual(s) with clinical features of CARD9-related conditions (PMID: 35753512). ClinVar contains an entry for this variant (Variation ID: 1439447). Advanced modeling of protein sequence and biophysical properties (such as structural, functional, and spatial information, amino acid conservation, physicochemical variation, residue mobility, and thermodynamic stability) performed at Invitae indicates that this missense variant is not expected to disrupt CARD9 protein function with a negative predictive value of 80%. In summary, the available evidence is currently insufficient to determine the role of this variant in disease. Therefore, it has been classified as a Variant of Uncertain Significance.

Literature cited by the submitters: PubMed 35753512.

NM_052813.5(CARD9):c.943C>T (p.Arg315Cys)

Gene: CARD9 (caspase recruitment domain family member 9; minus strand). Cytogenetic location: 9q34.3.
Variant type: single nucleotide variant.
Coding change: c.943C>T on transcript NM_052813.5 (MANE Select); coding-DNA position 943, C replaced by T.
Protein change: p.Arg315Cys; replaces arginine 315 with cysteine.
Molecular consequence: missense variant.
Genome position (GRCh38, 1-based): chr9:136,370,302, G>A on the plus strand (C>T on the coding strand, the complement: CARD9 is on the minus strand). VCF-style: chr9-136370302-G-A. GRCh37 (hg19) VCF-style: chr9-139264754-G-A.
Other names: c.943C>T, p.Arg315Cys (NM_052814.4); short protein forms R315C.
Identifiers: ClinVar variation 1439447 (VCV001439447.6), dbSNP rs778923486, ClinGen allele CA5332929.